The following is an entry in ClinVar:

NM_014714.4(IFT140):c.2359G>C (p.Asp787His)

Gene: IFT140 (intraflagellar transport 140; minus strand). Cytogenetic location: 16p13.3.
Variant type: single nucleotide variant.
Coding change: c.2359G>C on transcript NM_014714.4 (MANE Select); coding-DNA position 2359, G replaced by C.
Protein change: p.Asp787His; replaces aspartic acid 787 with histidine.
Molecular consequence: missense variant.
Genome position (GRCh38, 1-based): chr16:1,557,975, C>G on the plus strand (G>C on the coding strand, the complement: IFT140 is on the minus strand). VCF-style: chr16-1557975-C-G. GRCh37 (hg19) VCF-style: chr16-1607976-C-G.
Other names: short protein forms D787H.
Identifiers: ClinVar variation 2037030 (VCV002037030.4), dbSNP rs2033196456, ClinGen allele CA394199935.

ClinVar aggregate classification (germline): Uncertain significance (1 of 4 stars; one submission).

Conditions:
Saldino-Mainzer syndrome (SRTD9). Also called: CONORENAL SYNDROME; Renal dysplasia, retinal pigmentary dystrophy, cerebellar ataxia and skeletal dysplasia; SHORT-RIB THORACIC DYSPLASIA 9 WITHOUT POLYDACTYLY; short-rib thoracic dysplasia 9 with or without polydactyly. Identifiers: Orphanet 140969, MedGen C1849437, MONDO:0009964, OMIM 266920.

Submission:

Labcorp Genetics (formerly Invitae), Labcorp
Classification: Uncertain significance for Saldino-Mainzer syndrome. Last evaluated: 2022-01-25. Review status: criteria provided, single submitter. Criteria: Invitae Variant Classification Sherloc (09022015). Collection method: clinical testing. Allele origin: germline.
Comment: In summary, the available evidence is currently insufficient to determine the role of this variant in disease. Therefore, it has been classified as a Variant of Uncertain Significance. Algorithms developed to predict the effect of missense changes on protein structure and function are either unavailable or do not agree on the potential impact of this missense change (SIFT: "Deleterious"; PolyPhen-2: "Probably Damaging"; Align-GVGD: "Class C0"). This variant has not been reported in the literature in individuals affected with IFT140-related conditions. This variant is not present in population databases (gnomAD no frequency). This sequence change replaces aspartic acid, which is acidic and polar, with histidine, which is basic and polar, at codon 787 of the IFT140 protein (p.Asp787His).